The following is an entry in ClinVar:

ClinVar aggregate classification (germline): Uncertain significance. Review status: criteria provided, multiple submitters, no conflicts (2 of 4 stars). 3 submissions from 3 submitters: Uncertain significance (3). Last evaluated 2025-12-23.

Conditions:
DST-related disorder. Also called: DST-related condition; DST-related disorders.
Hereditary sensory and autonomic neuropathy type 6. Also called: HSAN VI; Neuropathy, hereditary sensory and autonomic, type VI. Identifiers: Orphanet 314381, MedGen C3539003, MONDO:0013839, OMIM 614653.
Epidermolysis bullosa simplex 3, localized or generalized intermediate, with BP230 deficiency (EBS3). Also called: Epidermolysis bullosa simplex, autosomal recessive 2; Epidermolysis bullosa simplex due to BP230 deficiency. Identifiers: Orphanet 412181, MedGen C3809470, MONDO:0014180, OMIM 615425.

Allele frequency attached by ClinVar (database versions not stated): gnomAD 0.00003; ExAC 0.00007; gnomAD exomes 0.00008 and 0.00011; TOPMed 0.00009.
gnomAD v4.1: 139 of 1,611,978 alleles (0.0086%); highest among the groups gnomAD compares: Admixed American, 0.017%; 1 homozygote.

Submissions (3):

PreventionGenetics, part of Exact Sciences
Classification: Uncertain significance for DST-related condition. Last evaluated: 2025-12-23. Review status: criteria provided, single submitter. Criteria: ACMG Guidelines, 2015. Collection method: clinical testing. Allele origin: germline.
Comment: The DST c.4729G>A variant is predicted to result in the amino acid substitution p.Glu1577Lys. This variant is also known as c.4729G>A (p.Glu1577Lys) on an alternate transcript (NM_001723). To our knowledge, this variant has not been reported in the literature. This variant is reported in 0.023% of alleles in individuals of Latino descent in gnomAD. At this time, the clinical significance of this variant is uncertain due to the absence of conclusive functional and genetic evidence.

Labcorp Genetics (formerly Invitae), Labcorp
Classification: Uncertain significance for Epidermolysis bullosa simplex 3, localized or generalized intermediate, with BP230 deficiency; Hereditary sensory and autonomic neuropathy type 6. Last evaluated: 2024-11-16. Review status: criteria provided, single submitter. Criteria: Invitae Variant Classification Sherloc (09022015). Collection method: clinical testing. Allele origin: germline.
Comment: This sequence change replaces glutamic acid, which is acidic and polar, with lysine, which is basic and polar, at codon 1577 of the DST protein (p.Glu1577Lys). This variant is present in population databases (rs199612891, gnomAD 0.03%). This variant has not been reported in the literature in individuals affected with DST-related conditions. ClinVar contains an entry for this variant (Variation ID: 854582). An algorithm developed to predict the effect of missense changes on protein structure and function (PolyPhen-2) suggests that this variant¬¨‚Ä†is likely to be tolerated. In summary, the available evidence is currently insufficient to determine the role of this variant in disease. Therefore, it has been classified as a Variant of Uncertain Significance.

Mayo Clinic Laboratories, Mayo Clinic
Classification: Uncertain significance. Last evaluated: 2021-06-09. Review status: criteria provided, single submitter. Criteria: ACMG Guidelines, 2015. Collection method: clinical testing. Allele origin: germline.

NM_001723.7(DST):c.4729G>A (p.Glu1577Lys)

Gene: DST (dystonin; minus strand). Cytogenetic location: 6p12.1.
Variant type: single nucleotide variant.
Coding change: c.4729G>A on transcript NM_001723.7 (MANE Plus Clinical); coding-DNA position 4729, G replaced by A.
Protein change: p.Glu1577Lys; replaces glutamic acid 1577 with lysine.
Molecular consequence: missense variant. On other transcripts: intron variant (10).
Genome position (GRCh38, 1-based): chr6:56,619,305, C>T on the plus strand (G>A on the coding strand, the complement: DST is on the minus strand). VCF-style: chr6-56619305-C-T. GRCh37 (hg19) VCF-style: chr6-56484103-C-T.
Other names: p.Glu1577Lys; c.4831-4821G>A (NM_001144769.5); c.4930-4821G>A (NM_001374722.1, NM_001374736.1); c.4957-4821G>A (NM_001374734.1); c.4417-4821G>A (NM_001144770.2); c.4297-4821G>A (NM_001374730.1, NM_001386100.1, NM_183380.4 and 1 more transcripts); c.3319-4821G>A (NM_015548.5); short protein forms E1577K.
Identifiers: ClinVar variation 854582 (VCV000854582.9), dbSNP rs199612891, ClinGen allele CA3870486.